The following is an entry in ClinVar:

NM_181741.4(ORC4):c.310C>T (p.Gln104Ter)

Gene: ORC4 (origin recognition complex subunit 4; minus strand). Cytogenetic location: 2q23.1.
Variant type: single nucleotide variant.
Coding change: c.310C>T on transcript NM_181741.4 (MANE Select); coding-DNA position 310, C replaced by T.
Protein change: p.Gln104Ter; replaces glutamine 104 with a stop codon.
Molecular consequence: nonsense.
Genome position (GRCh38, 1-based): chr2:147,958,375, G>A on the plus strand (C>T on the coding strand, the complement: ORC4 is on the minus strand). VCF-style: chr2-147958375-G-A. GRCh37 (hg19) VCF-style: chr2-148715944-G-A.
Other names: c.310C>T, p.Gln104Ter (NM_001374270.1, NM_002552.5, NM_181742.5 and 1 more transcripts); c.58C>T, p.Gln20Ter (NM_001374272.1, NM_001190881.3); c.88C>T, p.Gln30Ter (NM_001190882.3); short protein forms Q20*, Q104*, Q30*.
Identifiers: ClinVar variation 1969297 (VCV001969297.5), dbSNP rs771941764, ClinGen allele CA1899651.

ClinVar aggregate classification (germline): Pathogenic (1 of 4 stars; one submission).

Allele frequency attached by ClinVar (database versions not stated): gnomAD exomes below 0.00001; ExAC 0.00001; TOPMed 0.00001.
gnomAD v4.1: 1 of 1,608,932 alleles (0.000062%); highest among the groups gnomAD compares: Admixed American, 0.0017%; no homozygotes.

Submission:

Labcorp Genetics (formerly Invitae), Labcorp
Classification: Pathogenic. Last evaluated: 2024-06-20. Review status: criteria provided, single submitter. Criteria: Invitae Variant Classification Sherloc (09022015). Collection method: clinical testing. Allele origin: germline.
Comment: This sequence change creates a premature translational stop signal (p.Gln104*) in the ORC4 gene. It is expected to result in an absent or disrupted protein product. Loss-of-function variants in ORC4 are known to be pathogenic (PMID: 21358631, 21358632, 22333897). This variant is present in population databases (rs771941764, gnomAD 0.003%). This variant has not been reported in the literature in individuals affected with ORC4-related conditions. ClinVar contains an entry for this variant (Variation ID: 1969297). For these reasons, this variant has been classified as Pathogenic.

Literature cited by the submitters: PubMed 21358631; PubMed 21358632; PubMed 22333897.